The following is an entry in ClinVar:

NM_004260.4(RECQL4):c.649T>A (p.Ser217Thr)

Gene: RECQL4 (RecQ like helicase 4; minus strand). Cytogenetic location: 8q24.3.
Variant type: single nucleotide variant.
Coding change: c.649T>A on transcript NM_004260.4 (MANE Select); coding-DNA position 649, T replaced by A.
Protein change: p.Ser217Thr; replaces serine 217 with threonine.
Molecular consequence: missense variant. On other transcripts: 5 prime UTR variant (15), non-coding transcript variant (3), intron variant (3).
Genome position (GRCh38, 1-based): chr8:144,516,470, A>T on the plus strand (T>A on the coding strand, the complement: RECQL4 is on the minus strand). VCF-style: chr8-144516470-A-T. GRCh37 (hg19) VCF-style: chr8-145741854-A-T.
Other names: c.649T>A, p.Ser217Thr (NM_001413017.1, NM_001413018.1, NM_001413019.1 and 4 more transcripts); c.-423T>A (NM_001413022.1, NM_001413023.1, NM_001413024.1 and 5 more transcripts); c.520T>A, p.Ser174Thr (NM_001413025.1); c.-485T>A (NM_001413027.1, NM_001413030.1, NM_001413031.1 and 2 more transcripts); c.-327T>A (NM_001413034.1); c.-692T>A (NM_001413043.1); c.355-57T>A (NM_001413029.1); c.-366-57T>A (NM_001413021.1, NM_001413028.1); short protein forms S174T, S217T.
Identifiers: ClinVar variation 4863205 (VCV004863205.1).
Genomic context (GRCh38, chr8:144,516,470, plus strand): 5'-GGCCCTGGGAGCCAGCACCAGGACCAAGGACAGCCGACTCACCAGGGATCAGAAGTTGTG[A>T]TTCCTCTGAGCCTAGATCAGGCCTGCAGGCTTTGGGGGCCCCCAGAAAATCTGGGACCTC-3'
Protein context (NP_004251.4, residues 207-227): ACRPDLGSEE[Ser217Thr]QLLIPGESAV

ClinVar aggregate classification (germline): Uncertain significance (1 of 4 stars; one submission).

Conditions:
Inborn genetic diseases. Identifiers: MedGen C0950123, MeSH D030342.

Submission:

Ambry Genetics
Classification: Uncertain significance for Inborn genetic diseases. Last evaluated: 2026-05-31. Review status: criteria provided, single submitter. Criteria: Ambry Variant Classification Scheme 2023. Collection method: clinical testing. Allele origin: germline.
Comment: The p.S217T variant (also known as c.649T>A), located in coding exon 5 of the RECQL4 gene, results from a T to A substitution at nucleotide position 649. The serine at codon 217 is replaced by threonine, an amino acid with similar properties. This amino acid position is conserved. In addition, this alteration is predicted to be tolerated by in silico analysis. Based on the available evidence, the clinical significance of this variant remains unclear.